The following is an entry in ClinVar:

ClinVar aggregate classification (germline): Uncertain significance. Review status: criteria provided, multiple submitters, no conflicts (2 of 4 stars). 4 submissions from 4 submitters: Uncertain significance (3). 1 of the submissions does not count toward it. Last evaluated 2025-07-14.

Conditions:
Fanconi anemia (FA). Also called: Fanconi's anemia. Identifiers: Orphanet 84, MedGen C0015625, MeSH D005199, MONDO:0019391.
Fanconi anemia complementation group G. Also called: Fanconi anemia group G; FANCG-Related Fanconi Anemia. Identifiers: Orphanet 84, MedGen C3469527, MONDO:0013565, OMIM 614082.

Allele frequency attached by ClinVar (database versions not stated): gnomAD exomes below 0.00001 and 0.00001; ExAC 0.00001.
gnomAD v4.1: 4 of 1,607,640 alleles (0.00025%); highest among the groups gnomAD compares: Non-Finnish European, 0.000085%; no homozygotes.

Submissions (4):

Labcorp Genetics (formerly Invitae), Labcorp
Classification: Uncertain significance for Fanconi anemia. Last evaluated: 2025-07-14. Review status: criteria provided, single submitter. Criteria: Invitae Variant Classification Sherloc (09022015). Collection method: clinical testing. Allele origin: germline.
Comment: This sequence change replaces leucine, which is neutral and non-polar, with arginine, which is basic and polar, at codon 53 of the FANCG protein (p.Leu53Arg). This variant is present in population databases (rs756388446, gnomAD 0.01%). This variant has not been reported in the literature in individuals affected with FANCG-related conditions. ClinVar contains an entry for this variant (Variation ID: 456231). Invitae Evidence Modeling of protein sequence and biophysical properties (such as structural, functional, and spatial information, amino acid conservation, physicochemical variation, residue mobility, and thermodynamic stability) indicates that this missense variant is expected to disrupt FANCG protein function with a positive predictive value of 80%. In summary, the available evidence is currently insufficient to determine the role of this variant in disease. Therefore, it has been classified as a Variant of Uncertain Significance.

Blueprint Genetics
Classification: Uncertain significance. Last evaluated: 2024-09-24. Review status: criteria provided, single submitter. Criteria: ACMG Guidelines, 2015. Collection method: clinical testing. Allele origin: germline.

Fulgent Genetics
Classification: Uncertain significance for Fanconi anemia complementation group G. Last evaluated: 2024-04-16. Review status: criteria provided, single submitter. Criteria: ACMG Guidelines, 2015. Collection method: clinical testing. Allele origin: germline.

Natera, Inc.
Classification: Uncertain significance for Fanconi anemia group G. Last evaluated: 2019-10-28. Review status: no assertion criteria provided. Collection method: clinical testing. Allele origin: germline. Not counted in ClinVar's aggregate classification.

NM_004629.2(FANCG):c.158T>G (p.Leu53Arg)

Gene: FANCG (FA complementation group G; minus strand). Cytogenetic location: 9p13.3.
Variant type: single nucleotide variant.
Coding change: c.158T>G on transcript NM_004629.2 (MANE Select); coding-DNA position 158, T replaced by G.
Protein change: p.Leu53Arg; replaces leucine 53 with arginine.
Molecular consequence: missense variant.
Genome position (GRCh38, 1-based): chr9:35,079,168, A>C on the plus strand (T>G on the coding strand, the complement: FANCG is on the minus strand). VCF-style: chr9-35079168-A-C. GRCh37 (hg19) VCF-style: chr9-35079165-A-C.
Other names: short protein forms L53R.
Identifiers: ClinVar variation 456231 (VCV000456231.10), dbSNP rs756388446, ClinGen allele CA5040126.